The following is an entry in ClinVar:

NM_001358530.2(MOCS1):c.271del (p.Glu91fs)

Gene: MOCS1 (molybdenum cofactor synthesis 1; minus strand). Cytogenetic location: 6p21.2.
Variant type: Deletion.
Coding change: c.271del on transcript NM_001358530.2 (MANE Select); coding-DNA position 271, one base deleted (G; older notation c.271delG).
Protein change: p.Glu91fs; shifts the reading frame from glutamic acid 91.
Molecular consequence: frameshift variant. On other transcripts: non-coding transcript variant (1).
Genome position (GRCh38, 1-based): chr6:39,925,825, C deleted on the plus strand (G on the coding strand, the reverse complement: MOCS1 is on the minus strand); the first of 2 consecutive C bases (chr6:39,925,825-39,925,826); deleting either gives the same sequence. VCF-style (leftmost placement, unchanged base first): chr6-39925824-TC-T. GRCh37 (hg19) VCF-style: chr6-39893568-TC-T.
Other names: c.271del, p.Glu91fs (NM_001075098.4, NM_001358529.2, NM_005943.6); c.10del, p.Glu4fs (NM_001358531.2, NM_001358533.2, NM_001358534.2); short protein forms E4fs, E91fs.
Identifiers: ClinVar variation 1457660 (VCV001457660.7), dbSNP rs2149419593, ClinGen allele CA2573140724.

ClinVar aggregate classification (germline): Pathogenic. Review status: criteria provided, multiple submitters, no conflicts (2 of 4 stars). 2 submissions from 2 submitters: Pathogenic (2). Last evaluated 2026-01-21.

Conditions:
Sulfite oxidase deficiency due to molybdenum cofactor deficiency type A. Also called: Molybdenum Cofactor Deficiency A; Molybdenum cofactor deficiency, complementation group A. Identifiers: Orphanet 308386, Orphanet 833, MedGen C1854988, MONDO:0009643, OMIM 252150.

Submissions (2):

3billion
Classification: Pathogenic for Sulfite oxidase deficiency due to molybdenum cofactor deficiency type A. Last evaluated: 2026-01-21. Review status: criteria provided, single submitter. Criteria: ACMG Guidelines, 2015. Collection method: clinical testing. Allele origin: germline. Affected: yes.
Comment: The variant is not observed in the gnomAD v4.1.0 dataset. Predicted Consequence/Location: Frameshift: predicted to result in a loss or disruption of normal protein function through nonsense-mediated decay (NMD) or protein truncation. Multiple pathogenic variants are reported downstream of the variant. The variant has been reported to be associated with MOCS1-related disorder (ClinVar ID: VCV001457660). Therefore, this variant is classified as Pathogenic according to the recommendation of ACMG/AMP guideline.

Labcorp Genetics (formerly Invitae), Labcorp
Classification: Pathogenic for Sulfite oxidase deficiency due to molybdenum cofactor deficiency type A. Last evaluated: 2021-04-27. Review status: criteria provided, single submitter. Criteria: Invitae Variant Classification Sherloc (09022015). Collection method: clinical testing. Allele origin: germline.
Comment: For these reasons, this variant has been classified as Pathogenic. This variant has not been reported in the literature in individuals with MOCS1-related conditions. This variant is not present in population databases (ExAC no frequency). This sequence change creates a premature translational stop signal (p.Glu91Argfs*5) in the MOCS1 gene. It is expected to result in an absent or disrupted protein product. Loss-of-function variants in MOCS1 are known to be pathogenic (PMID: 12754701, 16021469).

Literature cited by the submitters: PubMed 12754701 (cited by Labcorp Genetics (formerly Invitae), Labcorp); PubMed 16021469 (cited by Labcorp Genetics (formerly Invitae), Labcorp).